The following is an entry in ClinVar:

NM_182961.4(SYNE1):c.21285C>T (p.Asp7095=)

Gene: SYNE1 (spectrin repeat containing nuclear envelope protein 1; minus strand). Cytogenetic location: 6q25.2.
Variant type: single nucleotide variant.
Coding change: c.21285C>T on transcript NM_182961.4 (MANE Select); coding-DNA position 21285, C replaced by T.
Protein change: p.Asp7095=; no amino-acid change (aspartic acid 7095 retained).
Molecular consequence: synonymous variant.
Genome position (GRCh38, 1-based): chr6:152,225,787, G>A on the plus strand (C>T on the coding strand, the complement: SYNE1 is on the minus strand). VCF-style: chr6-152225787-G-A. GRCh37 (hg19) VCF-style: chr6-152546922-G-A.
Other names: c.21072C>T, p.Asp7024= (NM_033071.5).
Identifiers: ClinVar variation 290258 (VCV000290258.10), dbSNP rs768886911, ClinGen allele CA4054201.

ClinVar aggregate classification (germline): Conflicting classifications of pathogenicity. Review status: criteria provided, conflicting classifications (1 of 4 stars). 3 submissions from 3 submitters: Uncertain significance (1); Likely benign (2). Last evaluated 2026-07-01.

Conditions:
Emery-Dreifuss muscular dystrophy 4, autosomal dominant (EDMD4). Also called: EMERY-DREIFUSS MUSCULAR DYSTROPHY 4 WITH VARIABLE FEATURES. Identifiers: Orphanet 261, MedGen C2751807, MONDO:0013071, OMIM 612998.
Autosomal recessive ataxia, Beauce type. Also called: SYNE1-Related Autosomal Recessive Cerebellar Ataxia; SYNE1 Deficiency; ATAXIA, RECESSIVE, OF BEAUCE; Spinocerebellar ataxia, autosomal recessive 8. Identifiers: Orphanet 88644, MedGen C1853116, MONDO:0012549, OMIM 610743.

Allele frequency attached by ClinVar (database versions not stated): gnomAD exomes 0.00004; ExAC 0.00007.
gnomAD v4.1: 57 of 1,614,004 alleles (0.0035%); highest among the groups gnomAD compares: South Asian, 0.013%; no homozygotes.

Submissions (3):

CeGaT Center for Human Genetics Tuebingen
Classification: Likely benign. Last evaluated: 2026-07-01. Review status: criteria provided, single submitter. Criteria: CeGaT Center For Human Genetics Tuebingen Variant Classification Criteria Version 2. Collection method: clinical testing. Allele origin: germline. Affected: yes. Observed: 1 variant allele.
Comment: SYNE1: BP4, BP7

Labcorp Genetics (formerly Invitae), Labcorp
Classification: Likely benign for Emery-Dreifuss muscular dystrophy 4, autosomal dominant; Autosomal recessive ataxia, Beauce type. Last evaluated: 2023-07-27. Review status: criteria provided, single submitter. Criteria: Invitae Variant Classification Sherloc (09022015). Collection method: clinical testing. Allele origin: germline.

Eurofins Ntd Llc (ga)
Classification: Uncertain significance. Last evaluated: 2016-09-11. Review status: criteria provided, single submitter. Criteria: EGL Classification Definitions 2015. Collection method: clinical testing. Allele origin: germline. Observed: 1 variant allele, 1 heterozygote.